The following is an entry in ClinVar:

NM_006662.3(SRCAP):c.493G>C (p.Val165Leu)

Gene: SRCAP (Snf2 related CREBBP activator protein; plus strand). Cytogenetic location: 16p11.2.
Variant type: single nucleotide variant.
Coding change: c.493G>C on transcript NM_006662.3 (MANE Select); coding-DNA position 493, G replaced by C.
Protein change: p.Val165Leu; replaces valine 165 with leucine.
Molecular consequence: missense variant.
Genome position (GRCh38, 1-based): chr16:30,707,572, G>C. VCF-style: chr16-30707572-G-C. GRCh37 (hg19) VCF-style: chr16-30718893-G-C.
Other names: short protein forms V165L.
Identifiers: ClinVar variation 5020440 (VCV005020440.1).

ClinVar aggregate classification (germline): Uncertain significance (1 of 4 stars; one submission).

gnomAD v4.1: 7 of 1,612,774 alleles (0.00043%); highest among the groups gnomAD compares: Admixed American, 0.0017%; no homozygotes.

Submission:

Dasa
Classification: Uncertain significance. Last evaluated: 2026-06-02. Review status: criteria provided, single submitter. Criteria: DASA Assertion Criteria. Collection method: clinical testing. Allele origin: germline.
Comment: NM_006662.3(SRCAP):c.493G>C (p.Val165Leu) is a missense variant that results in the substitution of valine with leucine. This variant is rare in population databases. Computational prediction algorithms are consistent with a deleterious effect. The currently available literature and clinical evidence are not sufficient to establish a definitive association between this variant and the reported condition. Therefore, this variant is classified as a variant of uncertain significance.